The following is an entry in ClinVar:

NM_001614.5(ACTG1):c.1060C>T (p.Gln354Ter)

Gene: ACTG1 (actin gamma 1; minus strand). Cytogenetic location: 17q25.3.
Variant type: single nucleotide variant.
Coding change: c.1060C>T on transcript NM_001614.5 (MANE Select); coding-DNA position 1060, C replaced by T.
Protein change: p.Gln354Ter; replaces glutamine 354 with a stop codon.
Molecular consequence: nonsense. On other transcripts: non-coding transcript variant (1).
Genome position (GRCh38, 1-based): chr17:81,510,758, G>A on the plus strand (C>T on the coding strand, the complement: ACTG1 is on the minus strand). VCF-style: chr17-81510758-G-A. GRCh37 (hg19) VCF-style: chr17-79477784-G-A.
Other names: c.1060C>T, p.Gln354Ter (NM_001199954.3); short protein forms Q354*.
Identifiers: ClinVar variation 4790124 (VCV004790124.1).

ClinVar aggregate classification (germline): Uncertain significance (1 of 4 stars; one submission).

Conditions:
Baraitser-winter syndrome 2. Identifiers: Orphanet 2995, MedGen C3281235, MONDO:0013812, OMIM 614583.
Autosomal dominant nonsyndromic hearing loss 20. Identifiers: Orphanet 90635, MedGen C1858172, MONDO:0011480, OMIM 604717.

Submission:

Labcorp Genetics (formerly Invitae), Labcorp
Classification: Uncertain significance for Baraitser-winter syndrome 2; Autosomal dominant nonsyndromic hearing loss 20. Last evaluated: 2025-09-17. Review status: criteria provided, single submitter. Criteria: Invitae Variant Classification Sherloc (09022015). Collection method: clinical testing. Allele origin: germline.
Comment: This sequence change creates a premature translational stop signal (p.Gln354*) in the ACTG1 gene. While this is not anticipated to result in nonsense mediated decay, it is expected to disrupt the last 22 amino acid(s) of the ACTG1 protein. This variant is present in population databases (rs782495003, gnomAD 0.0009%). This variant has not been reported in the literature in individuals affected with ACTG1-related conditions. Experimental studies and prediction algorithms are not available or were not evaluated, and the functional significance of this variant is currently unknown. In summary, the available evidence is currently insufficient to determine the role of this variant in disease. Therefore, it has been classified as a Variant of Uncertain Significance.